The following is an entry in ClinVar:

NM_016343.4(CENPF):c.444T>C (p.Ile148=)

Gene: CENPF (centromere protein F; plus strand). Cytogenetic location: 1q41.
Variant type: single nucleotide variant.
Coding change: c.444T>C on transcript NM_016343.4 (MANE Select); coding-DNA position 444, T replaced by C.
Protein change: p.Ile148=; no amino-acid change (isoleucine 148 retained).
Molecular consequence: synonymous variant.
Genome position (GRCh38, 1-based): chr1:214,618,657, T>C. VCF-style: chr1-214618657-T-C. GRCh37 (hg19) VCF-style: chr1-214792000-T-C.
Identifiers: ClinVar variation 2639889 (VCV002639889.24), dbSNP rs1453561610, ClinGen allele CA423313209.
Genomic context (GRCh38, chr1:214,618,657, plus strand): 5'-CCAACAAGCTGCGCAGTCTGCAGATGTCTCTCTGAATCCATGCAATACACCACAAAAAAT[T>C]TTTACAACTCCACTAACACCAAGTCAATATTATAGTGGTAATGCATTTTCTTCCTTGGTA-3'
Protein context (NP_057427.3, residues 138-158): SLNPCNTPQK[Ile148=]FTTPLTPSQY

ClinVar aggregate classification (germline): Likely benign (1 of 4 stars; one submission).

Allele frequency attached by ClinVar (database versions not stated): TOPMed below 0.00001; gnomAD 0.00001.
gnomAD v4.1: 1 of 1,613,906 alleles (0.000062%); highest among the groups gnomAD compares: Non-Finnish European, 0.000085%; no homozygotes.

Submission:

CeGaT Center for Human Genetics Tuebingen
Classification: Likely benign. Last evaluated: 2022-10-01. Review status: criteria provided, single submitter. Criteria: CeGaT Center For Human Genetics Tuebingen Variant Classification Criteria Version 2. Collection method: clinical testing. Allele origin: germline. Affected: yes. Observed: 1 variant allele.
Comment: CENPF: BP4, BP7